The following is an entry in ClinVar:

ClinVar aggregate classification (germline): Uncertain significance. Review status: criteria provided, multiple submitters, no conflicts (2 of 4 stars). 3 submissions from 3 submitters: Uncertain significance (3). Last evaluated 2023-10-27.

Conditions:
Hereditary nonpolyposis colorectal neoplasms. Identifiers: MedGen C0009405, MeSH D003123.
Hereditary cancer-predisposing syndrome. Also called: Tumor predisposition; Hereditary neoplastic syndrome; Neoplastic Syndromes, Hereditary; Hereditary Cancer Syndrome. Identifiers: Orphanet 140162, MedGen C0027672, MeSH D009386, MONDO:0015356.
Lynch syndrome. Identifiers: Orphanet 144, MedGen C4552100, MONDO:0005835. Disease mechanism: loss of function.

Submissions (3):

Ambry Genetics
Classification: Uncertain significance for Hereditary cancer-predisposing syndrome. Last evaluated: 2023-10-27. Review status: criteria provided, single submitter. Criteria: Ambry Variant Classification Scheme 2023. Collection method: clinical testing. Allele origin: germline.
Comment: The p.K224E variant (also known as c.670A>G), located in coding exon 6 of the PMS2 gene, results from an A to G substitution at nucleotide position 670. The lysine at codon 224 is replaced by glutamic acid, an amino acid with similar properties. This amino acid position is conserved. In addition, the in silico prediction for this alteration is inconclusive. Since supporting evidence is limited at this time, the clinical significance of this alteration remains unclear.

All of Us Research Program, National Institutes of Health
Classification: Uncertain significance for Lynch syndrome. Last evaluated: 2023-05-04. Review status: criteria provided, single submitter. Criteria: ACMG Guidelines, 2015. Collection method: clinical testing. Allele origin: germline. Inheritance: Autosomal dominant inheritance. Observed: 1 variant allele, 1 heterozygote.
Comment: This missense variant replaces lysine with glutamic acid at codon 224 of the PMS2 protein. Computational prediction suggests that this variant may not impact protein structure and function (internally defined REVEL score threshold <= 0.5, PMID: 27666373). To our knowledge, functional studies have not been reported for this variant. This variant has not been reported in individuals affected with PMS2-related disorders in the literature. This variant has not been identified in the general population by the Genome Aggregation Database (gnomAD). The available evidence is insufficient to determine the role of this variant in disease conclusively. Therefore, this variant is classified as a Variant of Uncertain Significance.

This study involves interpretation of variants in research participants for the purpose of population health screening. Participant phenotype was not available at the time of variant classification. Additional details can be found in publication PMID: 35346344, PMCID: PMC8962531

Labcorp Genetics (formerly Invitae), Labcorp
Classification: Uncertain significance for Hereditary nonpolyposis colorectal neoplasms. Last evaluated: 2020-06-07. Review status: criteria provided, single submitter. Criteria: Invitae Variant Classification Sherloc (09022015). Collection method: clinical testing. Allele origin: germline.
Comment: This sequence change replaces lysine with glutamic acid at codon 224 of the PMS2 protein (p.Lys224Glu). The lysine residue is moderately conserved and there is a small physicochemical difference between lysine and glutamic acid. This variant is not present in population databases (ExAC no frequency). This variant has not been reported in the literature in individuals with PMS2-related conditions. Algorithms developed to predict the effect of missense changes on protein structure and function are either unavailable or do not agree on the potential impact of this missense change (SIFT: "Tolerated"; PolyPhen-2: "Possibly Damaging"; Align-GVGD: "Class C0"). In summary, the available evidence is currently insufficient to determine the role of this variant in disease. Therefore, it has been classified as a Variant of Uncertain Significance.

NM_000535.7(PMS2):c.670A>G (p.Lys224Glu)

Gene: PMS2 (PMS1 homolog 2, mismatch repair system component; minus strand). Cytogenetic location: 7p22.1.
Variant type: single nucleotide variant.
Coding change: c.670A>G on transcript NM_000535.7 (MANE Select); coding-DNA position 670, A replaced by G.
Protein change: p.Lys224Glu; replaces lysine 224 with glutamic acid.
Molecular consequence: missense variant. On other transcripts: 5 prime UTR variant (2), non-coding transcript variant (1), intron variant (1).
Genome position (GRCh38, 1-based): chr7:5,999,143, T>C on the plus strand (A>G on the coding strand, the complement: PMS2 is on the minus strand). VCF-style: chr7-5999143-T-C. GRCh37 (hg19) VCF-style: chr7-6038774-T-C.
Other names: c.265A>G, p.Lys89Glu (NM_001322003.2, NM_001322004.2, NM_001322005.2 and 2 more transcripts); c.670A>G, p.Lys224Glu (NM_001322006.2, NM_001322014.2); c.352A>G, p.Lys118Glu (NM_001322007.2, NM_001322008.2); c.-264A>G (NM_001322011.2, NM_001322012.2); c.361A>G, p.Lys121Glu (NM_001322015.2); c.133-1720A>G (NM_001322013.2); short protein forms K118E, K121E, K224E, K89E.
Identifiers: ClinVar variation 959680 (VCV000959680.11), dbSNP rs1784795307, ClinGen allele CA366743882.